The following is an entry in ClinVar:

ClinVar aggregate classification (germline): Pathogenic. Review status: criteria provided, multiple submitters, no conflicts (2 of 4 stars). 2 submissions from 2 submitters: Pathogenic (2). Last evaluated 2025-09-09.

Submissions (2):

Labcorp Genetics (formerly Invitae), Labcorp
Classification: Pathogenic. Last evaluated: 2025-09-09. Review status: criteria provided, single submitter. Criteria: Invitae Variant Classification Sherloc (09022015). Collection method: clinical testing. Allele origin: germline.
Comment: This sequence change replaces cysteine, which is neutral and slightly polar, with tyrosine, which is neutral and polar, at codon 251 of the NOTCH3 protein (p.Cys251Tyr). This variant is not present in population databases (gnomAD no frequency). This missense change has been observed in individuals with cerebral arteriopathy with subcortical infarcts and leukoencephalopathy 1 (PMID: 19372454; internal data). ClinVar contains an entry for this variant (Variation ID: 447872). Invitae Evidence Modeling of protein sequence and biophysical properties (such as structural, functional, and spatial information, amino acid conservation, physicochemical variation, residue mobility, and thermodynamic stability) indicates that this missense variant is expected to disrupt NOTCH3 protein function with a positive predictive value of 95%. This variant disrupts the p.Cys251 amino acid residue in NOTCH3. Other variant(s) that disrupt this residue have been determined to be pathogenic (PMID: 14710716, 28534048; internal data). This suggests that this residue is clinically significant, and that variants that disrupt this residue are likely to be disease-causing. For these reasons, this variant has been classified as Pathogenic.

Athena Diagnostics
Classification: Pathogenic. Last evaluated: 2024-03-15. Review status: criteria provided, single submitter. Criteria: Athena Diagnostics Criteria. Collection method: clinical testing. Allele origin: unknown.
Comment: This variant has been identified in at least one individual with clinical features associated with CADASIL. This variant has not been reported in large, multi-ethnic general populations. This variant alters a critical location within the protein, and is expected to severely affect function and cause disease. Greater than 90% of NOTCH3 pathogenic variants associated with CADASIL involve the gain or loss of a cysteine residue within the epidermal growth factor (EGF)-like repeat domain (PMID: 32457593, 20301673).

Literature cited by the submitters: PubMed 19372454 (cited by Labcorp Genetics (formerly Invitae), Labcorp and Athena Diagnostics); PubMed 14710716 (cited by Labcorp Genetics (formerly Invitae), Labcorp); PubMed 28534048 (cited by Labcorp Genetics (formerly Invitae), Labcorp); PubMed 19174371 (cited by Athena Diagnostics).

NM_000435.3(NOTCH3):c.752G>A (p.Cys251Tyr)

Gene: NOTCH3 (notch receptor 3; minus strand). Cytogenetic location: 19p13.12.
Variant type: single nucleotide variant.
Coding change: c.752G>A on transcript NM_000435.3 (MANE Select); coding-DNA position 752, G replaced by A.
Protein change: p.Cys251Tyr; replaces cysteine 251 with tyrosine.
Molecular consequence: missense variant.
Genome position (GRCh38, 1-based): chr19:15,191,795, C>T on the plus strand (G>A on the coding strand, the complement: NOTCH3 is on the minus strand). VCF-style: chr19-15191795-C-T. GRCh37 (hg19) VCF-style: chr19-15302606-C-T.
Other names: short protein forms C251Y.
Identifiers: ClinVar variation 447872 (VCV000447872.5), dbSNP rs1555729405, ClinGen allele CA404532528.